The following is an entry in ClinVar:

NM_007363.5(NONO):c.1056AGA[1] (p.Glu354del)

Gene: NONO (non-POU domain containing octamer binding; plus strand). Cytogenetic location: Xq13.1.
Variant type: Microsatellite.
Coding change: c.1056AGA[1] on transcript NM_007363.5 (MANE Select); one copy of the 3-base unit AGA starting at c.1056; the reference has two copies in a row; one copy, 3 bases deleted.
Protein change: p.Glu354del; deletes glutamic acid 354.
Molecular consequence: inframe deletion.
Genome position (GRCh38, 1-based): chrX:71,297,866-71,297,868, AGA deleted; deleting any 3 consecutive bases within chrX:71,297,861-71,297,868 gives the same sequence; the position shown is the placement nearest the transcript's 3' end. VCF-style (leftmost placement, unchanged base first): chrX-71297860-TGAA-T. GRCh37 (hg19) VCF-style: chrX-70517710-TGAA-T.
Other names: c.1056AGA[1], p.Glu354del (NM_001145408.2, NM_001145409.2); c.789AGA[1], p.Glu265del (NM_001145410.2); short protein forms E354del, E265del.
Identifiers: ClinVar variation 2862857 (VCV002862857.3), dbSNP rs2031486669, ClinGen allele CA2436414107.

ClinVar aggregate classification (germline): Uncertain significance (1 of 4 stars; one submission).

Submission:

Labcorp Genetics (formerly Invitae), Labcorp
Classification: Uncertain significance. Last evaluated: 2024-01-19. Review status: criteria provided, single submitter. Criteria: Invitae Variant Classification Sherloc (09022015). Collection method: clinical testing. Allele origin: germline.
Comment: This variant, c.1059_1061del, results in the deletion of 1 amino acid(s) of the NONO protein (p.Glu354del), but otherwise preserves the integrity of the reading frame. This variant is not present in population databases (gnomAD no frequency). This variant has not been reported in the literature in individuals affected with NONO-related conditions. Experimental studies and prediction algorithms are not available or were not evaluated, and the functional significance of this variant is currently unknown. In summary, the available evidence is currently insufficient to determine the role of this variant in disease. Therefore, it has been classified as a Variant of Uncertain Significance.